The following is an entry in ClinVar:

NM_006648.4(WNK2):c.5105A>T (p.Glu1702Val)

Gene: WNK2 (WNK lysine deficient protein kinase 2; plus strand). Cytogenetic location: 9q22.31.
Variant type: single nucleotide variant.
Coding change: c.5105A>T on transcript NM_006648.4 (MANE Select); coding-DNA position 5105, A replaced by T.
Protein change: p.Glu1702Val; replaces glutamic acid 1702 with valine.
Molecular consequence: missense variant.
Genome position (GRCh38, 1-based): chr9:93,292,570, A>T. VCF-style: chr9-93292570-A-T. GRCh37 (hg19) VCF-style: chr9-96054852-A-T.
Other names: c.5216A>T, p.Glu1739Val (NM_001282394.3); short protein forms E1739V, E1702V.
Identifiers: ClinVar variation 3982054 (VCV003982054.1).

ClinVar aggregate classification (germline): Uncertain significance (1 of 4 stars; one submission).

Submission:

Ambry Genetics
Classification: Uncertain significance. Last evaluated: 2025-05-17. Review status: criteria provided, single submitter. Criteria: Ambry Variant Classification Scheme 2023. Collection method: clinical testing. Allele origin: germline.
Comment: The p.E1702V variant (also known as c.5105A>T), located in coding exon 22 of the WNK2 gene, results from an A to T substitution at nucleotide position 5105. The glutamic acid at codon 1702 is replaced by valine, an amino acid with dissimilar properties. This amino acid position is conserved. In addition, this alteration is predicted to be tolerated by in silico analysis. Based on the available evidence, the clinical significance of this variant remains unclear.